The following is an entry in ClinVar:

ClinVar aggregate classification (germline): Benign/Likely benign. Review status: criteria provided, multiple submitters, no conflicts (2 of 4 stars). 4 submissions from 4 submitters: Benign (1); Likely benign (2). 1 of the submissions does not count toward it. Last evaluated 2025-01-12.

Conditions:
RTTN-related disorder. Also called: RTTN-related condition.

Allele frequency attached by ClinVar (database versions not stated): gnomAD exomes 0.00009; gnomAD 0.00016 and 0.00018; ESP Exome Variant Server 0.00017; TOPMed 0.00017; 1000 Genomes Project 30x 0.00047; 1000 Genomes Project 0.00060.
gnomAD v4.1: 160 of 1,549,626 alleles (0.01%); highest among the groups gnomAD compares: East Asian, 0.22%; no homozygotes.

Submissions (4):

Labcorp Genetics (formerly Invitae), Labcorp
Classification: Benign. Last evaluated: 2025-01-12. Review status: criteria provided, single submitter. Criteria: Invitae Variant Classification Sherloc (09022015). Collection method: clinical testing. Allele origin: germline.

Women's Health and Genetics/Laboratory Corporation of America, LabCorp
Classification: Likely benign. Last evaluated: 2024-11-01. Review status: criteria provided, single submitter. Criteria: LabCorp Variant Classification Summary - May 2015. Collection method: clinical testing. Allele origin: germline.

GeneDx
Classification: Likely benign. Last evaluated: 2017-08-16. Review status: criteria provided, single submitter. Criteria: GeneDx Variant Classification (06012015). Collection method: clinical testing. Allele origin: germline. Affected: yes.
Comment: This variant is considered likely benign or benign based on one or more of the following criteria: it is a conservative change, it occurs at a poorly conserved position in the protein, it is predicted to be benign by multiple in silico algorithms, and/or has population frequency not consistent with disease.

PreventionGenetics, part of Exact Sciences
Classification: Likely benign for RTTN-related condition. Last evaluated: 2020-05-11. Review status: no assertion criteria provided. Collection method: clinical testing. Allele origin: germline. Not counted in ClinVar's aggregate classification.
Comment: This variant is classified as likely benign based on ACMG/AMP sequence variant interpretation guidelines (Richards et al. 2015 PMID: 25741868, with internal and published modifications).

NM_173630.4(RTTN):c.2670+9A>G

Gene: RTTN (rotatin; minus strand). Cytogenetic location: 18q22.2.
Variant type: single nucleotide variant.
Coding change: c.2670+9A>G on transcript NM_173630.4 (MANE Select); 9 bases into the intron after coding-DNA position 2670, A replaced by G.
Molecular consequence: intron variant.
Genome position (GRCh38, 1-based): chr18:70,140,091, T>C on the plus strand (A>G on the coding strand, the complement: RTTN is on the minus strand). VCF-style: chr18-70140091-T-C. GRCh37 (hg19) VCF-style: chr18-67807327-T-C.
Other names: c.-66-375A>G (NM_001318520.2).
Identifiers: ClinVar variation 511530 (VCV000511530.9), dbSNP rs200758402, ClinGen allele CA8995806.